The following is an entry in ClinVar:

NM_006767.4(LZTR1):c.596T>G (p.Leu199Trp)

Gene: LZTR1 (leucine zipper like post translational regulator 1; plus strand). Cytogenetic location: 22q11.21.
Variant type: single nucleotide variant.
Coding change: c.596T>G on transcript NM_006767.4 (MANE Select); coding-DNA position 596, T replaced by G.
Protein change: p.Leu199Trp; replaces leucine 199 with tryptophan.
Molecular consequence: missense variant.
Genome position (GRCh38, 1-based): chr22:20,989,627, T>G. VCF-style: chr22-20989627-T-G. GRCh37 (hg19) VCF-style: chr22-21343916-T-G.
Other names: short protein forms L199W.
Identifiers: ClinVar variation 1306965 (VCV001306965.2), dbSNP rs1360454424, ClinGen allele CA410780273.
Genomic context (GRCh38, chr22:20,989,627, plus strand): 5'-ACTAGGCCCACCCTGACCACCAGACCCAAGGGGTCCTCACTGGTCTGTCCTAATACAGGT[T>G]GAATGACATGTGGACAATTGGCCTCCAGGACCGAGAGCTCACCTGCTGGGAGGAGGTGAG-3'
Protein context (NP_006758.2, residues 189-209): IFAGYDGNAR[Leu199Trp]NDMWTIGLQD

ClinVar aggregate classification (germline): Uncertain significance (1 of 4 stars; one submission).

Submission:

GeneDx
Classification: Uncertain significance. Last evaluated: 2019-02-25. Review status: criteria provided, single submitter. Criteria: GeneDx Variant Classification Process June 2021. Collection method: clinical testing. Allele origin: germline. Affected: yes.
Comment: Not observed in large population cohorts (Lek et al., 2016); In silico analysis, which includes protein predictors and evolutionary conservation, supports a deleterious effect; Has not been previously published as pathogenic or benign to our knowledge